The following is an entry in ClinVar:

ClinVar aggregate classification (germline): Benign/Likely benign. Review status: criteria provided, multiple submitters, no conflicts (2 of 4 stars). 3 submissions from 3 submitters: Benign (1); Likely benign (2). Last evaluated 2025-04-24.

Conditions:
Tuberous sclerosis 1 (TSC1). Identifiers: Orphanet 805, MedGen C1854465, MONDO:0008612, OMIM 191100.
Hereditary cancer-predisposing syndrome. Also called: Hereditary Cancer Syndrome; Tumor predisposition; Neoplastic Syndromes, Hereditary; Hereditary neoplastic syndrome. Identifiers: Orphanet 140162, MedGen C0027672, MeSH D009386, MONDO:0015356.

Allele frequency attached by ClinVar (database versions not stated): gnomAD exomes below 0.00001.

Submissions (3):

Myriad Genetics, Inc.
Classification: Benign for Tuberous sclerosis 1. Last evaluated: 2025-04-24. Review status: criteria provided, single submitter. Criteria: Myriad Autosomal Dominant, Autosomal Recessive and X-Linked Classification Criteria (2023). Collection method: clinical testing. Allele origin: unknown.
Comment: This variant is considered benign. This variant is a silent/synonymous amino acid change and it is not expected to impact splicing.

Ambry Genetics
Classification: Likely benign for Hereditary cancer-predisposing syndrome. Last evaluated: 2022-03-04. Review status: criteria provided, single submitter. Criteria: Ambry Variant Classification Scheme 2023. Collection method: clinical testing. Allele origin: germline.

Labcorp Genetics (formerly Invitae), Labcorp
Classification: Likely benign for Tuberous sclerosis 1. Last evaluated: 2021-01-11. Review status: criteria provided, single submitter. Criteria: Invitae Variant Classification Sherloc (09022015). Collection method: clinical testing. Allele origin: germline.

NM_000368.5(TSC1):c.2151G>A (p.Arg717=)

Gene: TSC1 (TSC complex subunit 1; minus strand). Cytogenetic location: 9q34.13.
Variant type: single nucleotide variant.
Coding change: c.2151G>A on transcript NM_000368.5 (MANE Select); coding-DNA position 2151, G replaced by A.
Protein change: p.Arg717=; no amino-acid change (arginine 717 retained).
Molecular consequence: synonymous variant.
Genome position (GRCh38, 1-based): chr9:132,903,708, C>T on the plus strand (G>A on the coding strand, the complement: TSC1 is on the minus strand). VCF-style: chr9-132903708-C-T. GRCh37 (hg19) VCF-style: chr9-135779095-C-T.
Other names: c.2148G>A, p.Arg716= (NM_001162426.2); c.1998G>A, p.Arg666= (NM_001162427.2); c.1788G>A, p.Arg596= (NM_001362177.2).
Identifiers: ClinVar variation 1589867 (VCV001589867.11), dbSNP rs1301689988, ClinGen allele CA467590693.